The following is an entry in ClinVar:

ClinVar aggregate classification (germline): Benign/Likely benign. Review status: criteria provided, multiple submitters, no conflicts (2 of 4 stars). 5 submissions from 4 submitters: Benign (1); Likely benign (3). 1 of the submissions does not count toward it. Last evaluated 2026-01-13.

Conditions:
SH3TC2-related disorder. Also called: SH3TC2-related condition; SH3TC2-related disorders. Identifiers: MedGen CN239303.
Charcot-Marie-Tooth disease type 4. Also called: Charcot-Marie-Tooth, Type 4; Charcot-Marie-Tooth disease, type IV. Identifiers: Orphanet 64749, MedGen C4082197, MONDO:0018995.
Charcot-Marie-Tooth disease type 4C (CMT4C). Also called: CHARCOT-MARIE-TOOTH DISEASE, DEMYELINATING, TYPE 4C; Charcot-Marie-Tooth Neuropathy Type 4C (CMT4C); SH3TC2-Related Hereditary Motor and Sensory Neuropathy; CHARCOT-MARIE-TOOTH DISEASE, DEMYELINATING, AUTOSOMAL RECESSIVE, TYPE 4C; CMT 4C. Identifiers: Orphanet 99949, MedGen C1866636, MONDO:0011113, OMIM 601596.
Susceptibility to mononeuropathy of the median nerve, mild. Also called: CARPAL TUNNEL SYNDROME, SUSCEPTIBILITY TO. Identifiers: MedGen C3150596, MONDO:0013237, OMIM 613353.

Allele frequency attached by ClinVar (database versions not stated): 1000 Genomes Project 30x 0.00062; gnomAD exomes 0.00016 and 0.00031; gnomAD 0.00021 and 0.00023; TOPMed 0.00028; ExAC 0.00034; 1000 Genomes Project 0.00060.

Submissions (5):

Labcorp Genetics (formerly Invitae), Labcorp
Classification: Benign for Charcot-Marie-Tooth disease type 4. Last evaluated: 2026-01-13. Review status: criteria provided, single submitter. Criteria: Invitae Variant Classification Sherloc (09022015). Collection method: clinical testing. Allele origin: germline.

Women's Health and Genetics/Laboratory Corporation of America, LabCorp
Classification: Likely benign. Last evaluated: 2025-09-23. Review status: criteria provided, single submitter. Criteria: LabCorp Variant Classification Summary - May 2015. Collection method: clinical testing. Allele origin: germline.

Illumina Laboratory Services, Illumina
Classification: Likely benign for Charcot-Marie-Tooth disease type 4C. Last evaluated: 2018-01-12. Review status: criteria provided, single submitter. Criteria: ICSL Variant Classification Criteria 13 December 2019. Collection method: clinical testing. Allele origin: germline.
Comment: This variant was observed in the ICSL laboratory as part of a predisposition screen in an ostensibly healthy population. It had not been previously curated by ICSL or reported in the Human Gene Mutation Database (HGMD: prior to June 1st, 2018), and was therefore a candidate for classification through an automated scoring system. Utilizing variant allele frequency, disease prevalence and penetrance estimates, and inheritance mode, an automated score was calculated to assess if this variant is too frequent to cause the disease. Based on the score and internal cut-off values, a variant classified as likely benign is not then subjected to further curation. The score for this variant resulted in a classification of likely benign for this disease.

Illumina Laboratory Services, Illumina
Classification: Likely benign for Susceptibility to mononeuropathy of the median nerve, mild. Last evaluated: 2018-01-12. Review status: criteria provided, single submitter. Criteria: ICSL Variant Classification Criteria 13 December 2019. Collection method: clinical testing. Allele origin: germline.
Comment: the same text as in the submission from Illumina Laboratory Services, Illumina above.

PreventionGenetics, part of Exact Sciences
Classification: Likely benign for SH3TC2-related condition. Last evaluated: 2022-03-15. Review status: no assertion criteria provided. Collection method: clinical testing. Allele origin: germline. Not counted in ClinVar's aggregate classification.
Comment: This variant is classified as likely benign based on ACMG/AMP sequence variant interpretation guidelines (Richards et al. 2015 PMID: 25741868, with internal and published modifications).

NM_024577.4(SH3TC2):c.2097G>A (p.Gln699=)

Gene: SH3TC2 (SH3 domain and tetratricopeptide repeats 2; minus strand). Cytogenetic location: 5q32.
Variant type: single nucleotide variant.
Coding change: c.2097G>A on transcript NM_024577.4 (MANE Select); coding-DNA position 2097, G replaced by A.
Protein change: p.Gln699=; no amino-acid change (glutamine 699 retained).
Molecular consequence: synonymous variant.
Genome position (GRCh38, 1-based): chr5:149,027,635, C>T on the plus strand (G>A on the coding strand, the complement: SH3TC2 is on the minus strand). VCF-style: chr5-149027635-C-T. GRCh37 (hg19) VCF-style: chr5-148407198-C-T.
Identifiers: ClinVar variation 696271 (VCV000696271.17), dbSNP rs117860293, ClinGen allele CA3499060.